The following is an entry in ClinVar:

ClinVar aggregate classification (germline): Benign. Review status: criteria provided, multiple submitters, no conflicts (2 of 4 stars). 2 submissions from 2 submitters: Benign (2). Last evaluated 2018-01-12.

Conditions:
Occult macular dystrophy (OCMD). Also called: OMD; OCCULT MACULAR DYSTROPHY, SUSCEPTIBILITY TO. Identifiers: Orphanet 247834, MedGen C3150833, MONDO:0013316, OMIM 613587, HP:0030636.

Allele frequency attached by ClinVar (database versions not stated): gnomAD 0.41303 and 0.42026; TOPMed 0.41707; 1000 Genomes Project 0.46625; 1000 Genomes Project 30x 0.46658.
gnomAD v4.1: 656,748 of 1,582,082 alleles (42%); highest among the groups gnomAD compares: Admixed American, 59%; 140,480 homozygotes.

Submissions (2):

Illumina Laboratory Services, Illumina
Classification: Benign for Occult macular dystrophy. Last evaluated: 2018-01-12. Review status: criteria provided, single submitter. Criteria: ICSL Variant Classification Criteria 13 December 2019. Collection method: clinical testing. Allele origin: germline.
Comment: This variant was observed in the ICSL laboratory as part of a predisposition screen in an ostensibly healthy population. It had not been previously curated by ICSL or reported in the Human Gene Mutation Database (HGMD: prior to June 1st, 2018), and was therefore a candidate for classification through an automated scoring system. Utilizing variant allele frequency, disease prevalence and penetrance estimates, and inheritance mode, an automated score was calculated to assess if this variant is too frequent to cause the disease. Based on the score and internal cut-off values, a variant classified as benign is not then subjected to further curation. The score for this variant resulted in a classification of benign for this disease.

Breakthrough Genomics
Classification: Benign. Review status: criteria provided, single submitter. Criteria: ACMG Guidelines, 2015. Collection method: not provided. Allele origin: germline. Inheritance: Autosomal recessive inheritance. Affected: yes.

NM_178857.6(RP1L1):c.*98C>T

Gene: RP1L1 (RP1 like 1). Cytogenetic location: 8p23.1.
Variant type: single nucleotide variant.
Coding change: c.*98C>T on transcript NM_178857.6 (MANE Select); 98 bases downstream of the stop codon, C replaced by T.
Molecular consequence: 3 prime UTR variant.
Genome position (GRCh38, 1-based): chr8:10,606,797, G>A on the plus strand (C>T on the coding strand, the complement: RP1L1 is on the minus strand). VCF-style: chr8-10606797-G-A. GRCh37 (hg19) VCF-style: chr8-10464307-G-A.
Identifiers: ClinVar variation 361200 (VCV000361200.6), dbSNP rs12542104, ClinGen allele CA10629735.
Genomic context (GRCh38, chr8:10,606,797, plus strand): 5'-AGGACAGCATGGCATGGGCTGTGTCCTTGGCAAGTCCTTGGTCTTTGTCCATGTACTATG[G>A]ACATCTCCAGTGGACTGAACGTTGCTCAGTTTTGTAGAAAAAATATGAATAAAAACAGAG-3'